The following is an entry in ClinVar:

ClinVar aggregate classification (germline): Likely benign (0 of 4 stars; one submission).

Conditions:
HSD17B4-related disorder. Also called: HSD17B4-related condition; HSD17B4-related disorders.

Allele frequency attached by ClinVar (database versions not stated): ExAC 0.00009; gnomAD 0.00011; TOPMed 0.00011; 1000 Genomes Project 0.00040; 1000 Genomes Project 30x 0.00047.
gnomAD v4.1: 36 of 1,535,940 alleles (0.0023%); highest among the groups gnomAD compares: African/African-American, 0.031%; no homozygotes.

Submission:

PreventionGenetics, part of Exact Sciences
Classification: Likely benign for HSD17B4-related condition. Last evaluated: 2023-12-08. Review status: no assertion criteria provided. Collection method: clinical testing. Allele origin: germline.
Comment: This variant is classified as likely benign based on ACMG/AMP sequence variant interpretation guidelines (Richards et al. 2015 PMID: 25741868, with internal and published modifications).

NM_000414.4(HSD17B4):c.58+197C>G

Gene: HSD17B4 (hydroxysteroid 17-beta dehydrogenase 4; plus strand). Cytogenetic location: 5q23.1.
Variant type: single nucleotide variant.
Coding change: c.58+197C>G on transcript NM_000414.4 (MANE Select); 197 bases into the intron after coding-DNA position 58, C replaced by G.
Molecular consequence: intron variant.
Genome position (GRCh38, 1-based): chr5:119,452,830, C>G. VCF-style: chr5-119452830-C-G. GRCh37 (hg19) VCF-style: chr5-118788525-C-G.
Other names: c.-424+9C>G (NM_001374503.1); c.68+9C>G (NM_001199291.3); c.-288+9C>G (NM_001374499.1); c.-359+9C>G (NM_001374502.1); c.-481+9C>G (NM_001374500.1); c.-354+9C>G (NM_001374501.1, NM_001292028.2); c.-80+197C>G (NM_001292027.2); c.58+197C>G (NM_001374498.1, NM_001374497.1, NM_001199292.2).
Identifiers: ClinVar variation 3036716 (VCV003036716.2), dbSNP rs536604558, ClinGen allele CA3381636.
Genomic context (GRCh38, chr5:119,452,830, plus strand): 5'-CACCGCATCTCTTGAGGAGGAAAGAGCCGGAAACACCTGGTCTCTCAAGCAGGTACAGCC[C>G]GCTTCTCCCCAGCACCCCGGTGTGGGCTTCCCAAGGTCCTGCCTGAGAGGAGAGGCCAGG-3'